The following is an entry in ClinVar:

ClinVar aggregate classification (germline): Benign (1 of 4 stars; one submission).

Allele frequency attached by ClinVar (database versions not stated): gnomAD exomes 0.00006; TOPMed 0.00025; gnomAD 0.00027 and 0.00029; 1000 Genomes Project 30x 0.00078; 1000 Genomes Project 0.00080.
gnomAD v4.1: 77 of 733,398 alleles (0.01%); highest among the groups gnomAD compares: African/African-American, 0.081%; no homozygotes.

Submission:

GeneDx
Classification: Benign. Last evaluated: 2015-04-13. Review status: criteria provided, single submitter. Criteria: GeneDx Variant Classification (06012015). Collection method: clinical testing. Allele origin: germline. Affected: yes.
Comment: This variant is considered likely benign or benign based on one or more of the following criteria: it is a conservative change, it occurs at a poorly conserved position in the protein, it is predicted to be benign by multiple in silico algorithms, and/or has population frequency not consistent with disease.

NM_007078.3(LDB3):c.-49C>T

Gene: LDB3 (LIM domain binding 3; plus strand). Cytogenetic location: 10q23.2.
Variant type: single nucleotide variant.
Coding change: c.-49C>T on transcript NM_007078.3 (MANE Select); 49 bases upstream of the start codon, C replaced by T.
Molecular consequence: 5 prime UTR variant. On other transcripts: intron variant (3).
Genome position (GRCh38, 1-based): chr10:86,668,545, C>T. VCF-style: chr10-86668545-C-T. GRCh37 (hg19) VCF-style: chr10-88428302-C-T.
Other names: c.-49C>T (NM_001080114.2, NM_001080115.2, NM_001171610.2 and 4 more transcripts); c.-23-124C>T (NM_001368064.1, NM_001368063.1, NM_001368068.1).
Identifiers: ClinVar variation 378078 (VCV000378078.1), dbSNP rs146911972, ClinGen allele CA16606709.